The following is an entry in ClinVar:

NM_001166412.2(SMOC2):c.400G>A (p.Val134Ile)

Gene: SMOC2 (SPARC related modular calcium binding 2; plus strand). Cytogenetic location: 6q27.
Variant type: single nucleotide variant.
Coding change: c.400G>A on transcript NM_001166412.2 (MANE Select); coding-DNA position 400, G replaced by A.
Protein change: p.Val134Ile; replaces valine 134 with isoleucine.
Molecular consequence: missense variant.
Genome position (GRCh38, 1-based): chr6:168,527,664, G>A. VCF-style: chr6-168527664-G-A. GRCh37 (hg19) VCF-style: chr6-168928344-G-A.
Other names: c.400G>A, p.Val134Ile (NM_022138.3); c.400G>A (NM_022138.2); short protein forms V134I.
Identifiers: ClinVar variation 1027789 (VCV001027789.2), dbSNP rs373406001, ClinGen allele CA4102097.

ClinVar aggregate classification (germline): Uncertain significance. Review status: criteria provided, multiple submitters, no conflicts (2 of 4 stars). 2 submissions from 2 submitters: Uncertain significance (2). Last evaluated 2025-03-07.

Conditions:
Dentin dysplasia type I. Also called: Dentin dysplasia, type 1. Identifiers: Orphanet 314721, Orphanet 99789, MedGen C0399379, MONDO:0007436.

Allele frequency attached by ClinVar (database versions not stated): gnomAD exomes 0.00001 and 0.00004; gnomAD 0.00006; TOPMed 0.00008; ExAC 0.00010; ESP Exome Variant Server 0.00016; 1000 Genomes Project 0.00020; 1000 Genomes Project 30x 0.00031.
gnomAD v4.1: 29 of 1,552,432 alleles (0.0019%); highest among the groups gnomAD compares: Admixed American, 0.014%; no homozygotes.

Submissions (2):

Ambry Genetics
Classification: Uncertain significance. Last evaluated: 2025-03-07. Review status: criteria provided, single submitter. Criteria: Ambry Variant Classification Scheme 2023. Collection method: clinical testing. Allele origin: germline.

Baylor Genetics
Classification: Uncertain significance for Dentin dysplasia, type IA. Last evaluated: 2019-06-10. Review status: criteria provided, single submitter. Criteria: ACMG Guidelines, 2015. Collection method: clinical testing. Allele origin: unknown. Affected: yes.
Comment: This variant was determined to be of uncertain significance according to ACMG Guidelines, 2015 [PMID:25741868].